The following is an entry in ClinVar:

ClinVar aggregate classification (germline): Uncertain significance (1 of 4 stars; one submission).

Conditions:
Wilson disease (WND). Also called: Wilson's disease. Identifiers: Orphanet 905, MedGen C0019202, MONDO:0010200, OMIM 277900. Disease mechanism: loss of function.

Submission:

All of Us Research Program, National Institutes of Health
Classification: Uncertain significance for Wilson disease. Last evaluated: 2024-01-11. Review status: criteria provided, single submitter. Criteria: ACMG Guidelines, 2015. Collection method: clinical testing. Allele origin: germline. Inheritance: Autosomal recessive inheritance. Observed: 1 variant allele, 1 heterozygote.
Comment: This study involves interpretation of variants in research participants for the purpose of population health screening. Participant phenotype was not available at the time of variant classification. Additional details can be found in publication PMID: 35346344, PMCID: PMC8962531

NM_000053.4(ATP7B):c.1188A>T (p.Glu396Asp)

Gene: ATP7B (ATPase copper transporting beta; minus strand). Cytogenetic location: 13q14.3.
Variant type: single nucleotide variant.
Coding change: c.1188A>T on transcript NM_000053.4 (MANE Select); coding-DNA position 1188, A replaced by T.
Protein change: p.Glu396Asp; replaces glutamic acid 396 with aspartic acid.
Molecular consequence: missense variant.
Genome position (GRCh38, 1-based): chr13:51,974,032, T>A on the plus strand (A>T on the coding strand, the complement: ATP7B is on the minus strand). VCF-style: chr13-51974032-T-A. GRCh37 (hg19) VCF-style: chr13-52548168-T-A.
Other names: c.1188A>T, p.Glu396Asp (NM_001406527.1, NM_001406528.1, NM_001406531.1 and 29 more transcripts); c.1092A>T, p.Glu364Asp (NM_001406530.1, NM_001406536.1, NM_001406543.1 and 3 more transcripts); c.759A>T, p.Glu253Asp (NM_001406539.1); c.855A>T, p.Glu285Asp (NM_001243182.2); short protein forms E253D, E285D, E364D, E396D.
Identifiers: ClinVar variation 3075227 (VCV003075227.1), dbSNP rs1951977131, ClinGen allele CA388038493.